The following is an entry in ClinVar:

ClinVar aggregate classification (germline): Benign/Likely benign. Review status: criteria provided, multiple submitters, no conflicts (2 of 4 stars). 3 submissions from 3 submitters: Benign (1); Likely benign (2). Last evaluated 2025-05-07.

Conditions:
Hereditary cancer-predisposing syndrome. Also called: Hereditary neoplastic syndrome; Hereditary Cancer Syndrome; Neoplastic Syndromes, Hereditary; Tumor predisposition. Identifiers: Orphanet 140162, MedGen C0027672, MeSH D009386, MONDO:0015356.
Multiple endocrine neoplasia, type 2 (MEN2). Identifiers: Orphanet 653, MedGen C4048306, MONDO:0019003. Disease mechanism: gain of function.
Multiple endocrine neoplasia type 2A. Also called: MULTIPLE ENDOCRINE NEOPLASIA, TYPE IIA; PTC SYNDROME; SIPPLE SYNDROME; MEN 2A; MEN-2A syndrome; Pheochromocytoma and amyloid producing medullary thyroid carcinoma. Identifiers: Orphanet 247698, Orphanet 653, MedGen C0025268, MeSH D018813, MONDO:0008234, OMIM 171400.

Submissions (3):

Labcorp Genetics (formerly Invitae), Labcorp
Classification: Likely benign for Multiple endocrine neoplasia, type 2. Last evaluated: 2025-05-07. Review status: criteria provided, single submitter. Criteria: Invitae Variant Classification Sherloc (09022015). Collection method: clinical testing. Allele origin: germline.

Myriad Genetics, Inc.
Classification: Benign for Multiple endocrine neoplasia type 2A. Last evaluated: 2025-02-26. Review status: criteria provided, single submitter. Criteria: Myriad Autosomal Dominant, Autosomal Recessive and X-Linked Classification Criteria (2023). Collection method: clinical testing. Allele origin: unknown.
Comment: This variant is considered benign. This variant is a silent/synonymous amino acid change and it is not expected to impact splicing.

Ambry Genetics
Classification: Likely benign for Hereditary cancer-predisposing syndrome. Last evaluated: 2020-08-24. Review status: criteria provided, single submitter. Criteria: Ambry Variant Classification Scheme 2023. Collection method: clinical testing. Allele origin: germline.

NM_020975.6(RET):c.1851G>A (p.Lys617=)

Gene: RET (ret proto-oncogene; plus strand). Cytogenetic location: 10q11.21.
Variant type: single nucleotide variant.
Coding change: c.1851G>A on transcript NM_020975.6 (MANE Select); coding-DNA position 1851, G replaced by A.
Protein change: p.Lys617=; no amino-acid change (lysine 617 retained).
Molecular consequence: synonymous variant. On other transcripts: intron variant (2).
Genome position (GRCh38, 1-based): chr10:43,113,647, G>A. VCF-style: chr10-43113647-G-A. GRCh37 (hg19) VCF-style: chr10-43609095-G-A.
Other names: c.1851G>A, p.Lys617= (NM_000323.2, NM_001406743.1, NM_001406744.1 and 6 more transcripts); c.1089G>A, p.Lys363= (NM_001355216.2); c.1722G>A, p.Lys574= (NM_001406761.1, NM_001406762.1, NM_001406764.1 and 1 more transcripts); c.1563G>A, p.Lys521= (NM_001406766.1, NM_001406767.1, NM_001406770.1); c.1455G>A, p.Lys485= (NM_001406769.1, NM_001406772.1); c.1413G>A, p.Lys471= (NM_001406771.1, NM_001406773.1); c.1326G>A, p.Lys442= (NM_001406774.1); c.1125G>A, p.Lys375= (NM_001406775.1, NM_001406776.1, NM_001406777.1 and 1 more transcripts); and 7 more.
Identifiers: ClinVar variation 1597385 (VCV001597385.12), dbSNP rs2132830668, ClinGen allele CA469027880.
Genomic context (GRCh38, chr10:43,113,647, plus strand): 5'-GGAGCCCCGGGGGATTAAAGCTGGCTATGGCACCTGCAACTGCTTCCCTGAGGAGGAGAA[G>A]TGCTTCTGCGAGCCCGAAGACATCCAGGGTGAGTGGGTGGCGGCCGGGACCACCACCACC-3'
Protein context (NP_066124.1, residues 607-627): GTCNCFPEEE[Lys617=]CFCEPEDIQD